The following is an entry in ClinVar:

ClinVar aggregate classification (germline): Uncertain significance (1 of 4 stars; one submission).

Conditions:
Hereditary cancer-predisposing syndrome. Also called: Neoplastic Syndromes, Hereditary; Tumor predisposition; Hereditary neoplastic syndrome; Hereditary Cancer Syndrome. Identifiers: Orphanet 140162, MedGen C0027672, MeSH D009386, MONDO:0015356.

Submission:

Ambry Genetics
Classification: Uncertain significance for Hereditary cancer-predisposing syndrome. Last evaluated: 2026-08-31. Review status: criteria provided, single submitter. Criteria: Ambry Variant Classification Scheme 2023. Collection method: clinical testing. Allele origin: germline.
Comment: The p.S705C variant (also known as c.2113A>T), located in coding exon 8 of the MET gene, results from an A to T substitution at nucleotide position 2113. The serine at codon 705 is replaced by cysteine, an amino acid with dissimilar properties. This amino acid position is conserved. In addition, the in silico prediction for this alteration is inconclusive. Based on the available evidence, the clinical significance of this variant remains unclear.

NM_000245.4(MET):c.2113A>T (p.Ser705Cys)

Gene: MET (MET proto-oncogene, receptor tyrosine kinase; plus strand). Cytogenetic location: 7q31.2.
Variant type: single nucleotide variant.
Coding change: c.2113A>T on transcript NM_000245.4 (MANE Select); coding-DNA position 2113, A replaced by T.
Protein change: p.Ser705Cys; replaces serine 705 with cysteine.
Molecular consequence: missense variant.
Genome position (GRCh38, 1-based): chr7:116,758,469, A>T. VCF-style: chr7-116758469-A-T. GRCh37 (hg19) VCF-style: chr7-116398523-A-T.
Other names: c.2113A>T, p.Ser705Cys (NM_001127500.3, NM_001324401.3); c.823A>T, p.Ser275Cys (NM_001324402.2); short protein forms S705C, S275C.
Identifiers: ClinVar variation 5024431 (VCV005024431.1).